The following is an entry in ClinVar:

NM_000069.3(CACNA1S):c.2605A>G (p.Asn869Asp)

Gene: CACNA1S (calcium voltage-gated channel subunit alpha1 S; minus strand). Cytogenetic location: 1q32.1.
Variant type: single nucleotide variant.
Coding change: c.2605A>G on transcript NM_000069.3 (MANE Select); coding-DNA position 2605, A replaced by G.
Protein change: p.Asn869Asp; replaces asparagine 869 with aspartic acid.
Molecular consequence: missense variant.
Genome position (GRCh38, 1-based): chr1:201,066,939, T>C on the plus strand (A>G on the coding strand, the complement: CACNA1S is on the minus strand). VCF-style: chr1-201066939-T-C. GRCh37 (hg19) VCF-style: chr1-201036067-T-C.
Other names: short protein forms N869D.
Identifiers: ClinVar variation 3075153 (VCV003075153.1), dbSNP rs2464524154, ClinGen allele CA344103998.

ClinVar aggregate classification (germline): Uncertain significance (1 of 4 stars; one submission).

Conditions:
Malignant hyperthermia, susceptibility to, 5 (MHS5). Also called: CACNA1S-Related Malignant Hyperthermia Susceptibility. Identifiers: Orphanet 423, MedGen C1866077, MONDO:0011163, OMIM 601887.

Submission:

All of Us Research Program, National Institutes of Health
Classification: Uncertain significance for Malignant hyperthermia, susceptibility to, 5. Last evaluated: 2023-12-18. Review status: criteria provided, single submitter. Criteria: ACMG Guidelines, 2015. Collection method: clinical testing. Allele origin: germline. Inheritance: Autosomal dominant inheritance. Observed: 1 variant allele, 1 heterozygote.
Comment: This missense variant replaces asparagine with aspartic acid at codon 869 of the CACNA1S protein. Computational prediction suggests that this variant may have deleterious impact on protein structure and function (internally defined REVEL score threshold >= 0.7, PMID: 27666373). To our knowledge, functional studies have not been reported for this variant. This variant has not been reported in individuals affected with CACNA1S-related disorders in the literature. This variant has not been identified in the general population by the Genome Aggregation Database (gnomAD). The available evidence is insufficient to determine the role of this variant in disease conclusively. Therefore, this variant is classified as a Variant of Uncertain Significance.

This study involves interpretation of variants in research participants for the purpose of population health screening. Participant phenotype was not available at the time of variant classification. Additional details can be found in publication PMID: 35346344, PMCID: PMC8962531